The following is an entry in ClinVar:

ClinVar aggregate classification (germline): Uncertain significance (1 of 4 stars; one submission).

Conditions:
Perry syndrome. Also called: PARKINSONISM WITH ALVEOLAR HYPOVENTILATION AND MENTAL DEPRESSION. Identifiers: Orphanet 178509, MedGen C1868594, MONDO:0008201, OMIM 168605.
Amyotrophic lateral sclerosis type 1 (ALS1). Also called: AMYOTROPHIC LATERAL SCLEROSIS 1, FAMILIAL. Identifiers: Orphanet 803, MedGen C1862939, MONDO:0007103, OMIM 105400.
Neuronopathy, distal hereditary motor, type 7B. Also called: Distal Hereditary Motor Neuronopathy Type 7B (dHMN7B); NEURONOPATHY, DISTAL HEREDITARY MOTOR, AUTOSOMAL DOMINANT 14; NEURONOPATHY, DISTAL HEREDITARY MOTOR, HARDING TYPE VIIB; NEUROPATHY, DISTAL HEREDITARY MOTOR, HARDING TYPE VIIB; NEUROPATHY, DISTAL HEREDITARY MOTOR, WITH VOCAL CORD PARALYSIS, HARDING TYPE VIIB; HMN VIIB. Identifiers: Orphanet 139589, MedGen C1843315, MONDO:0011879, OMIM 607641.

Allele frequency attached by ClinVar (database versions not stated): gnomAD exomes below 0.00001.
gnomAD v4.1: 3 of 1,612,458 alleles (0.00019%); highest among the groups gnomAD compares: Non-Finnish European, 0.00025%; no homozygotes.

Submission:

Labcorp Genetics (formerly Invitae), Labcorp
Classification: Uncertain significance for Amyotrophic lateral sclerosis type 1; Neuronopathy, distal hereditary motor, type 7B; Perry syndrome. Last evaluated: 2022-07-17. Review status: criteria provided, single submitter. Criteria: Invitae Variant Classification Sherloc (09022015). Collection method: clinical testing. Allele origin: germline.
Comment: This variant has not been reported in the literature in individuals affected with DCTN1-related conditions. Algorithms developed to predict the effect of missense changes on protein structure and function (SIFT, PolyPhen-2, Align-GVGD) all suggest that this variant is likely to be tolerated. This sequence change replaces glycine, which is neutral and non-polar, with glutamic acid, which is acidic and polar, at codon 1079 of the DCTN1 protein (p.Gly1079Glu). This variant is not present in population databases (gnomAD no frequency). In summary, the available evidence is currently insufficient to determine the role of this variant in disease. Therefore, it has been classified as a Variant of Uncertain Significance.

NM_004082.5(DCTN1):c.3236G>A (p.Gly1079Glu)

Gene: DCTN1 (dynactin subunit 1; minus strand). Cytogenetic location: 2p13.1.
Variant type: single nucleotide variant.
Coding change: c.3236G>A on transcript NM_004082.5 (MANE Select); coding-DNA position 3236, G replaced by A.
Protein change: p.Gly1079Glu; replaces glycine 1079 with glutamic acid.
Molecular consequence: missense variant. On other transcripts: non-coding transcript variant (1).
Genome position (GRCh38, 1-based): chr2:74,363,403, C>T on the plus strand (G>A on the coding strand, the complement: DCTN1 is on the minus strand). VCF-style: chr2-74363403-C-T. GRCh37 (hg19) VCF-style: chr2-74590530-C-T.
Other names: c.3161G>A, p.Gly1054Glu (NM_001135040.3); c.2819G>A, p.Gly940Glu (NM_001135041.3); c.3110G>A, p.Gly1037Glu (NM_001190836.2); c.3215G>A, p.Gly1072Glu (NM_001190837.2); c.3185G>A, p.Gly1062Glu (NM_001378991.1); c.3167G>A, p.Gly1056Glu (NM_001378992.1); c.2834G>A, p.Gly945Glu (NM_023019.4); short protein forms G1079E, G940E, G945E, G1054E, G1062E, G1037E, G1056E, G1072E.
Identifiers: ClinVar variation 1920070 (VCV001920070.5), dbSNP rs2529086623, ClinGen allele CA347337971.